The following is an entry in ClinVar:

NM_001903.5(CTNNA1):c.772G>A (p.Ala258Thr)

Gene: CTNNA1 (catenin alpha 1; plus strand). Cytogenetic location: 5q31.2.
Variant type: single nucleotide variant.
Coding change: c.772G>A on transcript NM_001903.5 (MANE Select); coding-DNA position 772, G replaced by A.
Protein change: p.Ala258Thr; replaces alanine 258 with threonine.
Molecular consequence: missense variant.
Genome position (GRCh38, 1-based): chr5:138,824,713, G>A. VCF-style: chr5-138824713-G-A. GRCh37 (hg19) VCF-style: chr5-138160402-G-A.
Other names: c.772G>A, p.Ala258Thr (NM_001290307.3, NM_001323982.2, NM_001323983.1 and 3 more transcripts); c.463G>A, p.Ala155Thr (NM_001290309.3); c.403G>A, p.Ala135Thr (NM_001290310.3); short protein forms A135T, A258T, A155T.
Identifiers: ClinVar variation 648532 (VCV000648532.14), dbSNP rs1581167987, ClinGen allele CA361129973.

ClinVar aggregate classification (germline): Uncertain significance. Review status: criteria provided, multiple submitters, no conflicts (2 of 4 stars). 2 submissions from 2 submitters: Uncertain significance (2). Last evaluated 2025-11-22.

Conditions:
Hereditary cancer-predisposing syndrome. Also called: Neoplastic Syndromes, Hereditary; Tumor predisposition; Hereditary Cancer Syndrome; Hereditary neoplastic syndrome. Identifiers: Orphanet 140162, MedGen C0027672, MeSH D009386, MONDO:0015356.

Allele frequency attached by ClinVar (database versions not stated): gnomAD exomes below 0.00001.
gnomAD v4.1: 2 of 1,614,230 alleles (0.00012%); highest among the groups gnomAD compares: South Asian, 0.0011%; no homozygotes.

Submissions (2):

Labcorp Genetics (formerly Invitae), Labcorp
Classification: Uncertain significance. Last evaluated: 2025-11-22. Review status: criteria provided, single submitter. Criteria: Invitae Variant Classification Sherloc (09022015). Collection method: clinical testing. Allele origin: germline.
Comment: This sequence change replaces alanine, which is neutral and non-polar, with threonine, which is neutral and polar, at codon 258 of the CTNNA1 protein (p.Ala258Thr). This variant is not present in population databases (gnomAD no frequency). This variant has not been reported in the literature in individuals affected with CTNNA1-related conditions. ClinVar contains an entry for this variant (Variation ID: 648532). Invitae Evidence Modeling of protein sequence and biophysical properties (such as structural, functional, and spatial information, amino acid conservation, physicochemical variation, residue mobility, and thermodynamic stability) indicates that this missense variant is not expected to disrupt CTNNA1 protein function with a negative predictive value of 80%. In summary, the available evidence is currently insufficient to determine the role of this variant in disease. Therefore, it has been classified as a Variant of Uncertain Significance.

Ambry Genetics
Classification: Uncertain significance for Hereditary cancer-predisposing syndrome. Last evaluated: 2025-06-23. Review status: criteria provided, single submitter. Criteria: Ambry Variant Classification Scheme 2023. Collection method: clinical testing. Allele origin: germline.
Comment: The p.A258T variant (also known as c.772G>A), located in coding exon 5 of the CTNNA1 gene, results from a G to A substitution at nucleotide position 772. The alanine at codon 258 is replaced by threonine, an amino acid with similar properties. In one study, this alteration was identified in 3/151,425 individuals who underwent multi-gene germline genetic testing and classified as a variant of uncertain significance by the authors (Clark DF et al. Genet Med, 2020 05;22:840-846). This amino acid position is highly conserved in available vertebrate species. In addition, the in silico prediction for this alteration is inconclusive. Based on the available evidence, the clinical significance of this variant remains unclear.

Literature cited by the submitters: PubMed 32051609 (cited by Ambry Genetics).